The following is an entry in ClinVar:

ClinVar aggregate classification (germline): Likely benign (0 of 4 stars; one submission).

Conditions:
PDXDC1-related disorder. Also called: PDXDC1-related condition.

Allele frequency attached by ClinVar (database versions not stated): ExAC 0.00005; TOPMed 0.00006; gnomAD 0.00007; gnomAD exomes 0.00018.
gnomAD v4.1: 276 of 1,613,926 alleles (0.017%); highest among the groups gnomAD compares: Non-Finnish European, 0.023%; no homozygotes.

Submission:

PreventionGenetics, part of Exact Sciences
Classification: Likely benign for PDXDC1-related condition. Last evaluated: 2019-08-12. Review status: no assertion criteria provided. Collection method: clinical testing. Allele origin: germline.
Comment: This variant is classified as likely benign based on ACMG/AMP sequence variant interpretation guidelines (Richards et al. 2015 PMID: 25741868, with internal and published modifications).

NM_015027.4(PDXDC1):c.2343A>G (p.Val781=)

Gene: PDXDC1 (pyridoxal dependent decarboxylase domain containing 1). Cytogenetic location: 16p13.11.
Variant type: single nucleotide variant.
Coding change: c.2343A>G on transcript NM_015027.4 (MANE Select); coding-DNA position 2343, A replaced by G.
Protein change: p.Val781=; no amino-acid change (valine 781 retained).
Molecular consequence: synonymous variant. On other transcripts: intron variant (3).
Genome position (GRCh38, 1-based): chr16:15,036,251, A>G. VCF-style: chr16-15036251-A-G. GRCh37 (hg19) VCF-style: chr16-15130108-A-G.
Other names: c.2262A>G, p.Val754= (NM_001285444.2); c.2259A>G, p.Val753= (NM_001285445.2); c.2298A>G, p.Val766= (NM_001285447.1); c.2070A>G, p.Val690= (NM_001285448.1); c.2340A>G, p.Val780= (NM_001324019.2); c.1399+6195A>G (NM_001285449.2); c.1318+6195A>G (NM_001324021.2); c.1396+6195A>G (NM_001324020.2).
Identifiers: ClinVar variation 3042569 (VCV003042569.2), dbSNP rs757982126, ClinGen allele CA7915699.
Genomic context (GRCh38, chr16:15,036,251, plus strand): 5'-CGACCAGACCGAGGCCTTCCAGAAAGGGGTCCCACACCCAGAAGATGACCACTCACAGGT[A>G]GAAGGACCGGAGAGCTTAAGATGAGACTCATTGTGTGGTTTGAGACTGTACTGAGTATTG-3'
Protein context (NP_055842.2, residues 771-788): VPHPEDDHSQ[Val781=]EGPESLR